The following is an entry in ClinVar:

NM_001393797.1(ABCC12):c.2549T>C (p.Val850Ala)

Gene: ABCC12 (ATP binding cassette subfamily C member 12; minus strand). Cytogenetic location: 16q12.1.
Variant type: single nucleotide variant.
Coding change: c.2549T>C on transcript NM_001393797.1 (MANE Select); coding-DNA position 2549, T replaced by C.
Protein change: p.Val850Ala; replaces valine 850 with alanine.
Molecular consequence: missense variant. On other transcripts: non-coding transcript variant (6).
Genome position (GRCh38, 1-based): chr16:48,105,263, A>G on the plus strand (T>C on the coding strand, the complement: ABCC12 is on the minus strand). VCF-style: chr16-48105263-A-G. GRCh37 (hg19) VCF-style: chr16-48139174-A-G.
Other names: c.2549T>C (NM_033226.2); c.2549T>C, p.Val850Ala (NM_033226.3); short protein forms V850A.
Identifiers: ClinVar variation 2672634 (VCV002672634.24), dbSNP rs143453562, ClinGen allele CA8042028.
Genomic context (GRCh38, chr16:48,105,263, plus strand): 5'-CCTTTGGTGACGCCAAACACCAGCATGAACACCATGCTTGCAGTGTACACCCACTGGTAC[A>G]CATGCTGACCGATGTCTGCCAGCACCGCGCCGACCTCACACATGGTCCTGTTGCCCTGGG-3'
Protein context (NP_001380726.1, residues 840-860): GAVLADIGQH[Val850Ala]YQWVYTASMV

ClinVar aggregate classification (germline): Conflicting classifications of pathogenicity. Review status: criteria provided, conflicting classifications (1 of 4 stars). 2 submissions from 2 submitters: Uncertain significance (1); Likely benign (1). Last evaluated 2026-03-11.

Conditions:
ABCC12-related condition.

Allele frequency attached by ClinVar (database versions not stated): ExAC 0.00057; 1000 Genomes Project 0.00060; 1000 Genomes Project 30x 0.00062; gnomAD 0.00064; TOPMed 0.00089; ESP Exome Variant Server 0.00092.
gnomAD v4.1: 1,727 of 1,614,070 alleles (0.11%); highest among the groups gnomAD compares: Middle Eastern, 0.17%; 1 homozygote.

Submissions (2):

PreventionGenetics, part of Exact Sciences
Classification: Uncertain significance for ABCC12-related condition. Last evaluated: 2026-03-11. Review status: criteria provided, single submitter. Criteria: ACMG Guidelines, 2015. Collection method: clinical testing. Allele origin: germline.
Comment: The ABCC12 c.2549T>C variant is predicted to result in the amino acid substitution p.Val850Ala. To our knowledge, this variant has not been reported in the literature. This variant is reported in 0.097% of alleles in individuals of European (Non-Finnish) descent in gnomAD. Although we suspect that this variant may be benign, at this time, the clinical significance of this variant is uncertain due to the absence of conclusive functional and genetic evidence.

CeGaT Center for Human Genetics Tuebingen
Classification: Likely benign. Last evaluated: 2023-11-01. Review status: criteria provided, single submitter. Criteria: CeGaT Center For Human Genetics Tuebingen Variant Classification Criteria Version 2. Collection method: clinical testing. Allele origin: germline. Affected: yes. Observed: 1 variant allele.
Comment: ABCC12: BP4